The following is an entry in ClinVar:

NM_003002.4(SDHD):c.383_386dup (p.Leu129fs)

Gene: SDHD (succinate dehydrogenase complex subunit D; plus strand). Cytogenetic location: 11q23.1.
Variant type: Duplication.
Coding change: c.383_386dup on transcript NM_003002.4 (MANE Select); coding-DNA positions 383 to 386, 4 bases duplicated (TTTT; older notation c.383_386dupTTTT).
Protein change: p.Leu129fs; shifts the reading frame from leucine 129.
Molecular consequence: frameshift variant. On other transcripts: 3 prime UTR variant (1), non-coding transcript variant (1).
Genome position (GRCh38, 1-based): chr11:112,094,873-112,094,876, TTTT duplicated. VCF-style (leftmost placement, unchanged base first): chr11-112094872-C-CTTTT. GRCh37 (hg19) VCF-style: chr11-111965596-C-CTTTT.
Other names: c.238_241dup, p.Trp81fs (NM_001276503.2); c.266_269dup, p.Leu90fs (NM_001276504.2); c.*81_*84dup (NM_001276506.2); c.383_386dupTTTT (NM_003002.2); short protein forms L90fs, W81fs, L129fs.
Identifiers: ClinVar variation 951786 (VCV000951786.12), dbSNP rs864321644, ClinGen allele CA1139662340.
Genomic context (GRCh38, chr11:112,094,872, plus strand): 5'-GGACAAGTTGTTACTGACTATGTTCATGGGGATGCCTTGCAGAAAGCTGCCAAGGCAGGG[C>CTTTT]TTTTGGCACTTTCAGCTTTAACCTTTGCTGGGCTTTGCTATTTCAACTATCACGATGTGG-3'

ClinVar aggregate classification (germline): Pathogenic. Review status: criteria provided, multiple submitters, no conflicts (2 of 4 stars). 2 submissions from 2 submitters: Pathogenic (2). Last evaluated 2024-04-11.

Conditions:
Pheochromocytoma. Also called: MAX-Related Hereditary Paraganglioma-Pheochromocytoma Syndrome. Identifiers: Orphanet 29072, MedGen C0031511, MONDO:0008233, OMIM 171300, HP:0002666.
Cowden syndrome 3 (CWS3). Identifiers: Orphanet 201, MedGen CN166604, MONDO:0014045.
Paragangliomas with sensorineural hearing loss. Identifiers: MedGen C1868633.
Carney-Stratakis syndrome. Also called: PARAGANGLIOMA AND GASTROINTESTINAL STROMAL TUMOR. Identifiers: Orphanet 97286, MedGen C1847319, MONDO:0011740, OMIM 606864.
Hereditary cancer-predisposing syndrome. Also called: Tumor predisposition; Hereditary neoplastic syndrome; Neoplastic Syndromes, Hereditary; Hereditary Cancer Syndrome. Identifiers: Orphanet 140162, MedGen C0027672, MeSH D009386, MONDO:0015356.

Submissions (2):

Ambry Genetics
Classification: Pathogenic for Hereditary cancer-predisposing syndrome. Last evaluated: 2024-04-11. Review status: criteria provided, single submitter. Criteria: Ambry Variant Classification Scheme 2023. Collection method: clinical testing. Allele origin: germline.
Comment: The c.383_386dupTTTT pathogenic mutation, located in coding exon 4 of the SDHD gene, results from a duplication of TTTT at nucleotide position 383, causing a translational frameshift with a predicted alternate stop codon (p.L129Ffs*63). This alteration occurs at the 3' terminus of theSDHD gene, is not expected to trigger nonsense-mediated mRNAdecay and results in the elongation of the protein by 31 amino acids. This frameshift impacts the last 31amino acids of the native protein. However, frameshifts are typically deleterious in nature and a significant portion of the protein is affected and the impacted region is critical for protein function (Ambry internal data). This variant has been observed in at least one individual with a personal and/or family history that is consistent with SDHD-related paraganglioma-pheochromocytoma syndrome (Ambry internal data). This variant is considered to be rare based on population cohorts in the Genome Aggregation Database (gnomAD). Based on the supporting evidence, this variant is interpreted as a disease-causing mutation.

Labcorp Genetics (formerly Invitae), Labcorp
Classification: Pathogenic for Carney-Stratakis syndrome; Paragangliomas with sensorineural hearing loss; Pheochromocytoma; Cowden syndrome 3. Last evaluated: 2023-02-15. Review status: criteria provided, single submitter. Criteria: Invitae Variant Classification Sherloc (09022015). Collection method: clinical testing. Allele origin: germline.
Comment: This sequence change creates a premature translational stop signal (p.Leu129Phefs*63) in the SDHD gene. While this is not anticipated to result in nonsense mediated decay, it is expected to disrupt the last 31 amino acid(s) of the SDHD protein. This variant is not present in population databases (gnomAD no frequency). This premature translational stop signal has been observed in individual(s) with paraganglioma (Invitae). ClinVar contains an entry for this variant (Variation ID: 951786). This variant disrupts a region of the SDHD protein in which other variant(s) (p.Gly138Arg) have been determined to be pathogenic (PMID: 29875428, 31492822; Invitae). This suggests that this is a clinically significant region of the protein, and that variants that disrupt it are likely to be disease-causing. For these reasons, this variant has been classified as Pathogenic.

Literature cited by the submitters: PubMed 29875428 (cited by Labcorp Genetics (formerly Invitae), Labcorp); PubMed 31492822 (cited by Labcorp Genetics (formerly Invitae), Labcorp).